The following is an entry in ClinVar:

NM_001127671.2(LIFR):c.2434C>T (p.Arg812Ter)

Gene: LIFR (LIF receptor subunit alpha; minus strand). Cytogenetic location: 5p13.1.
Variant type: single nucleotide variant.
Coding change: c.2434C>T on transcript NM_001127671.2 (MANE Select); coding-DNA position 2434, C replaced by T.
Protein change: p.Arg812Ter; replaces arginine 812 with a stop codon.
Molecular consequence: nonsense.
Genome position (GRCh38, 1-based): chr5:38,485,882, G>A on the plus strand (C>T on the coding strand, the complement: LIFR is on the minus strand). VCF-style: chr5-38485882-G-A. GRCh37 (hg19) VCF-style: chr5-38485984-G-A.
Other names: c.2434C>T, p.Arg812Ter (NM_001364297.2, NM_001364298.2, NM_002310.6); short protein forms R812*.
Identifiers: ClinVar variation 944487 (VCV000944487.12), dbSNP rs756675225, ClinGen allele CA3242667.
Genomic context (GRCh38, chr5:38,485,882, plus strand): 5'-TTTCCTTTGTCACCACATACATACTCTTCTCCGGGCCCACTCCACCATCTGTATAGGCTC[G>A]CAAGACCAGGTGGTAACTTGTTTTACCTTGAAGATCAGCAATTCTCAGTGTCTTCTGGGA-3'

ClinVar aggregate classification (germline): Pathogenic. Review status: criteria provided, multiple submitters, no conflicts (2 of 4 stars). 3 submissions from 3 submitters: Pathogenic (3). Last evaluated 2024-04-03.

Conditions:
Stuve-Wiedemann syndrome (STWS). Also called: Stüve-Wiedemann syndrome. Identifiers: Orphanet 3206, MedGen C0796176, MONDO:0031280.
Stüve-Wiedemann syndrome 1. Also called: STUVE-WIEDEMANN/SCHWARTZ-JAMPEL TYPE 2 SYNDROME. Identifiers: Orphanet 3206, MedGen C5676888, MONDO:0800043, OMIM 601559.

Allele frequency attached by ClinVar (database versions not stated): gnomAD exomes below 0.00001; ExAC 0.00001.

Submissions (3):

Natera, Inc.
Classification: Pathogenic for Stuve-Wiedemann syndrome. Last evaluated: 2024-04-03. Review status: criteria provided, single submitter. Criteria: Natera Variant Classification Schema (03/2026). Collection method: clinical testing. Allele origin: germline.
Comment: The c.2434C>T variant in LIFR is a nonsense variant predicted to introduce a stop codon at amino acid 812. This variant is expected to result in nonsense mediated decay, truncation, or a dysfunctional protein product. This variant is rare in the general population with a frequency below the threshold expected for the associated phenotype(s). This variant has been observed in one or more individuals affected with the associated recessive disease, as either homozygous or compound heterozygous with a second variant (PMID: 20447141). Given the available evidence, this variant is classified as Pathogenic.

Laboratoire Génétique Moléculaire, CHRU TOURS
Classification: Pathogenic for Stüve-Wiedemann syndrome 1. Last evaluated: 2023-03-03. Review status: criteria provided, single submitter. Criteria: ACMG Guidelines, 2015. Collection method: clinical testing. Allele origin: paternal. Affected: yes.
Comment: PVS1;PM3;PP5

Labcorp Genetics (formerly Invitae), Labcorp
Classification: Pathogenic. Last evaluated: 2022-03-20. Review status: criteria provided, single submitter. Criteria: Invitae Variant Classification Sherloc (09022015). Collection method: clinical testing. Allele origin: germline.
Comment: For these reasons, this variant has been classified as Pathogenic. Algorithms developed to predict the effect of sequence changes on RNA splicing suggest that this variant may disrupt the consensus splice site. ClinVar contains an entry for this variant (Variation ID: 944487). This premature translational stop signal has been observed in individual(s) with Stuve-Wiedemann syndrome (PMID: 14740318). This variant is present in population databases (rs756675225, gnomAD 0.0009%). This sequence change creates a premature translational stop signal (p.Arg812*) in the LIFR gene. It is expected to result in an absent or disrupted protein product. Loss-of-function variants in LIFR are known to be pathogenic (PMID: 14740318).

Literature cited by the submitters: PubMed 20447141 (cited by Natera, Inc.); PubMed 14740318 (cited by Labcorp Genetics (formerly Invitae), Labcorp).